The following is an entry in ClinVar:

ClinVar aggregate classification (germline): Uncertain significance (1 of 4 stars; one submission).

Conditions:
Maturity-onset diabetes of the young (MODY). Also called: Maturity onset diabetes mellitus in young. Identifiers: Orphanet 552, MedGen C0342276, MONDO:0018911, HP:0004904.

Allele frequency attached by ClinVar (database versions not stated): gnomAD exomes below 0.00001.

Submission:

Ambry Genetics
Classification: Uncertain significance for Maturity-onset diabetes of the young. Last evaluated: 2020-01-16. Review status: criteria provided, single submitter. Criteria: Ambry Variant Classification Scheme 2023. Collection method: clinical testing. Allele origin: germline.
Comment: The p.A104V variant (also known as c.311C>T), located in coding exon 1 of the HNF1B gene, results from a C to T substitution at nucleotide position 311. The alanine at codon 104 is replaced by valine, an amino acid with similar properties. This amino acid position is well conserved in available vertebrate species; however, valine is the reference amino acid in other vertebrate species. In addition, this alteration is predicted to be tolerated by in silico analysis. Since supporting evidence is limited at this time, the clinical significance of this alteration remains unclear.

NM_000458.4(HNF1B):c.311C>T (p.Ala104Val)

Gene: HNF1B (HNF1 homeobox B; minus strand). Cytogenetic location: 17q12.
Variant type: single nucleotide variant.
Coding change: c.311C>T on transcript NM_000458.4 (MANE Select); coding-DNA position 311, C replaced by T.
Protein change: p.Ala104Val; replaces alanine 104 with valine.
Molecular consequence: missense variant.
Genome position (GRCh38, 1-based): chr17:37,744,574, G>A on the plus strand (C>T on the coding strand, the complement: HNF1B is on the minus strand). VCF-style: chr17-37744574-G-A. GRCh37 (hg19) VCF-style: chr17-36104565-G-A.
Other names: c.311C>T, p.Ala104Val (NM_001165923.4, NM_001304286.2, NM_001411100.1); short protein forms A104V.
Identifiers: ClinVar variation 1727842 (VCV001727842.2), dbSNP rs2511849835, ClinGen allele CA398753113.